The following is an entry in ClinVar:

ClinVar aggregate classification (germline): Uncertain significance. Review status: criteria provided, multiple submitters, no conflicts (2 of 4 stars). 3 submissions from 3 submitters: Uncertain significance (3). Last evaluated 2025-10-01.

Conditions:
Hypertrophic cardiomyopathy. Also called: HYPERTROPHIC MYOCARDIOPATHY. Identifiers: Orphanet 217569, MedGen C0007194, MeSH D002312, MONDO:0005045, HP:0001639.
Cardiomyopathy (CMYO). Also called: Cardiomyopathies. Identifiers: Orphanet 167848, MedGen C0878544, MONDO:0004994, HP:0001638. Inheritance: Various modes of inheritance.

Allele frequency attached by ClinVar (database versions not stated): gnomAD exomes below 0.00001.

Submissions (3):

GeneDx
Classification: Uncertain significance. Last evaluated: 2025-10-01. Review status: criteria provided, single submitter. Criteria: GeneDx Variant Classification Process June 2021. Collection method: clinical testing. Allele origin: germline. Affected: yes.
Comment: Reported in the published literature in association with hypertrophic cardiomyopathy; however, detailed clinical information was not provided (PMID: 25351510); Not observed at significant frequency in large population cohorts (gnomAD); In silico analysis supports that this missense variant has a deleterious effect on protein structure/function; This variant is associated with the following publications: (PMID: 25351510)

Color Diagnostics, LLC DBA Color Health
Classification: Uncertain significance for Cardiomyopathy. Last evaluated: 2025-08-26. Review status: criteria provided, single submitter. Criteria: ACMG Guidelines, 2015. Collection method: clinical testing. Allele origin: germline.
Comment: This missense variant replaces arginine with cysteine at codon 810 of the MYBPC3 protein. Computational prediction is inconclusive regarding the impact of this variant on protein structure and function. To our knowledge, functional studies have not been reported for this variant. This variant has been reported in an individual affected with hypertrophic cardiomyopathy (PMID: 25351510). This variant has not been identified in the general population by the Genome Aggregation Database (gnomAD). A different missense variant occurring at the same codon, p.Arg810His, is known to cause disease (ClinVar variation ID: 42620), indicating that arginine residue at this position is important for MYBPC3 protein function. The available evidence is insufficient to determine the role of p.Arg810Cys variant in disease conclusively. Therefore, this variant is classified as a Variant of Uncertain Significance.

Labcorp Genetics (formerly Invitae), Labcorp
Classification: Uncertain significance for Hypertrophic cardiomyopathy. Last evaluated: 2025-06-29. Review status: criteria provided, single submitter. Criteria: Invitae Variant Classification Sherloc (09022015). Collection method: clinical testing. Allele origin: germline.
Comment: This sequence change replaces arginine, which is basic and polar, with cysteine, which is neutral and slightly polar, at codon 810 of the MYBPC3 protein (p.Arg810Cys). This variant is not present in population databases (gnomAD no frequency). This missense change has been observed in individual(s) with hypertrophic cardiomyopathy (PMID: 25351510). ClinVar contains an entry for this variant (Variation ID: 2720584). An algorithm developed to predict the effect of missense changes on protein structure and function (PolyPhen-2) suggests that this variant is likely to be disruptive. This variant disrupts the p.Arg810 amino acid residue in MYBPC3. Other variant(s) that disrupt this residue have been determined to be pathogenic (PMID: 15519027, 25524337, 27483260, 28615295). This suggests that this residue is clinically significant, and that variants that disrupt this residue are likely to be disease-causing. In summary, the available evidence is currently insufficient to determine the role of this variant in disease. Therefore, it has been classified as a Variant of Uncertain Significance.

Literature cited by the submitters: PubMed 25351510 (cited by Color Diagnostics, LLC DBA Color Health and Labcorp Genetics (formerly Invitae), Labcorp); PubMed 15519027 (cited by Labcorp Genetics (formerly Invitae), Labcorp); PubMed 25524337 (cited by Labcorp Genetics (formerly Invitae), Labcorp); PubMed 27483260 (cited by Labcorp Genetics (formerly Invitae), Labcorp); PubMed 28615295 (cited by Labcorp Genetics (formerly Invitae), Labcorp).

NM_000256.3(MYBPC3):c.2428C>T (p.Arg810Cys)

Gene: MYBPC3 (myosin binding protein C3; minus strand). Cytogenetic location: 11p11.2.
Variant type: single nucleotide variant.
Coding change: c.2428C>T on transcript NM_000256.3 (MANE Select); coding-DNA position 2428, C replaced by T.
Protein change: p.Arg810Cys; replaces arginine 810 with cysteine.
Molecular consequence: missense variant.
Genome position (GRCh38, 1-based): chr11:47,337,565, G>A on the plus strand (C>T on the coding strand, the complement: MYBPC3 is on the minus strand). VCF-style: chr11-47337565-G-A. GRCh37 (hg19) VCF-style: chr11-47359116-G-A.
Other names: short protein forms R810C.
Identifiers: ClinVar variation 2720584 (VCV002720584.6), dbSNP rs2095883764, ClinGen allele CA380318498.